The following is an entry in ClinVar:

NM_005002.5(NDUFA9):c.694G>C (p.Gly232Arg)

Gene: NDUFA9 (NADH:ubiquinone oxidoreductase subunit A9; plus strand). Cytogenetic location: 12p13.32.
Variant type: single nucleotide variant.
Coding change: c.694G>C on transcript NM_005002.5 (MANE Select); coding-DNA position 694, G replaced by C.
Protein change: p.Gly232Arg; replaces glycine 232 with arginine.
Molecular consequence: missense variant.
Genome position (GRCh38, 1-based): chr12:4,668,495, G>C. VCF-style: chr12-4668495-G-C. GRCh37 (hg19) VCF-style: chr12-4777661-G-C.
Other names: short protein forms G232R.
Identifiers: ClinVar variation 2122735 (VCV002122735.4), dbSNP rs1475312202, ClinGen allele CA383451851.

ClinVar aggregate classification (germline): Uncertain significance (1 of 4 stars; one submission).

Allele frequency attached by ClinVar (database versions not stated): TOPMed 0.00001.

Submission:

Labcorp Genetics (formerly Invitae), Labcorp
Classification: Uncertain significance. Last evaluated: 2022-04-07. Review status: criteria provided, single submitter. Criteria: Invitae Variant Classification Sherloc (09022015). Collection method: clinical testing. Allele origin: germline.
Comment: In summary, the available evidence is currently insufficient to determine the role of this variant in disease. Therefore, it has been classified as a Variant of Uncertain Significance. Algorithms developed to predict the effect of missense changes on protein structure and function are either unavailable or do not agree on the potential impact of this missense change (SIFT: "Deleterious"; PolyPhen-2: "Probably Damaging"; Align-GVGD: "Class C0"). This variant has not been reported in the literature in individuals affected with NDUFA9-related conditions. This variant is not present in population databases (gnomAD no frequency). This sequence change replaces glycine, which is neutral and non-polar, with arginine, which is basic and polar, at codon 232 of the NDUFA9 protein (p.Gly232Arg).